The following is an entry in ClinVar:

NM_172107.4(KCNQ2):c.2512G>C (p.Glu838Gln)

Gene: KCNQ2 (potassium voltage-gated channel subfamily Q member 2; minus strand). Cytogenetic location: 20q13.33.
Variant type: single nucleotide variant.
Coding change: c.2512G>C on transcript NM_172107.4 (MANE Select); coding-DNA position 2512, G replaced by C.
Protein change: p.Glu838Gln; replaces glutamic acid 838 with glutamine.
Molecular consequence: missense variant.
Genome position (GRCh38, 1-based): chr20:63,406,751, C>G on the plus strand (G>C on the coding strand, the complement: KCNQ2 is on the minus strand). VCF-style: chr20-63406751-C-G. GRCh37 (hg19) VCF-style: chr20-62038104-C-G.
Other names: c.2566G>C, p.Glu856Gln (NM_001382235.1); c.2428G>C, p.Glu810Gln (NM_004518.6); c.2458G>C, p.Glu820Gln (NM_172106.3); c.2419G>C, p.Glu807Gln (NM_172108.5); short protein forms E807Q, E810Q, E820Q, E838Q, E856Q.
Identifiers: ClinVar variation 2630788 (VCV002630788.2), dbSNP rs2516092200, ClinGen allele CA409636757.

ClinVar aggregate classification (germline): Uncertain significance (0 of 4 stars; one submission).

Conditions:
KCNQ2-Related Disorders. Also called: KCNQ2-related disorder; KCNQ2-related condition. Identifiers: MedGen CN169299.

Submission:

PreventionGenetics, part of Exact Sciences
Classification: Uncertain significance for KCNQ2-related condition. Last evaluated: 2024-05-08. Review status: no assertion criteria provided. Collection method: clinical testing. Allele origin: germline.
Comment: The KCNQ2 c.2512G>C variant is predicted to result in the amino acid substitution p.Glu838Gln. To our knowledge, this variant has not been reported in the literature or in a large population database, indicating this variant is rare. At this time, the clinical significance of this variant is uncertain due to the absence of conclusive functional and genetic evidence.